The following is an entry in ClinVar:

NM_001375905.1(SGMS2):c.236C>T (p.Thr79Met)

Genes: CYP2U1-AS1 (CYP2U1 and SGMS2 antisense RNA 1; minus strand), SGMS2 (sphingomyelin synthase 2; plus strand). Cytogenetic location: 4q25.
Variant type: single nucleotide variant.
Coding change: c.236C>T on transcript NM_001375905.1 (MANE Select); coding-DNA position 236, C replaced by T.
Protein change: p.Thr79Met; replaces threonine 79 with methionine.
Molecular consequence: missense variant. On other transcripts: intron variant (1).
Genome position (GRCh38, 1-based): chr4:107,895,789, C>T. VCF-style: chr4-107895789-C-T. GRCh37 (hg19) VCF-style: chr4-108816945-C-T.
Other names: c.236C>T, p.Thr79Met (NM_001136257.2, NM_001136258.2, NM_001375906.1 and 4 more transcripts); c.-64-3786C>T (NM_001375911.1); short protein forms T79M.
Identifiers: ClinVar variation 3699550 (VCV003699550.2).

ClinVar aggregate classification (germline): Uncertain significance (1 of 4 stars; one submission).

gnomAD v4.1: 27 of 1,613,900 alleles (0.0017%); highest among the groups gnomAD compares: South Asian, 0.0033%; no homozygotes.

Submission:

Labcorp Genetics (formerly Invitae), Labcorp
Classification: Uncertain significance. Last evaluated: 2025-07-31. Review status: criteria provided, single submitter. Criteria: Invitae Variant Classification Sherloc (09022015). Collection method: clinical testing. Allele origin: germline.
Comment: This sequence change replaces threonine, which is neutral and polar, with methionine, which is neutral and non-polar, at codon 79 of the SGMS2 protein (p.Thr79Met). This variant is present in population databases (rs566477554, gnomAD 0.02%). This variant has not been reported in the literature in individuals affected with SGMS2-related conditions. ClinVar contains an entry for this variant (Variation ID: 3699550). Invitae Evidence Modeling of protein sequence and biophysical properties (such as structural, functional, and spatial information, amino acid conservation, physicochemical variation, residue mobility, and thermodynamic stability) indicates that this missense variant is expected to disrupt SGMS2 protein function with a positive predictive value of 80%. In summary, the available evidence is currently insufficient to determine the role of this variant in disease. Therefore, it has been classified as a Variant of Uncertain Significance.